The following is an entry in ClinVar:

ClinVar aggregate classification (germline): Uncertain significance (1 of 4 stars; one submission).

Conditions:
FG syndrome (FGS). Identifiers: MedGen C0220769, MONDO:0002010.

gnomAD v4.1: 3 of 1,209,443 alleles (0.00025%); highest among the groups gnomAD compares: Non-Finnish European, 0.00034%; no homozygotes.

Submission:

Labcorp Genetics (formerly Invitae), Labcorp
Classification: Uncertain significance for FG syndrome. Last evaluated: 2024-06-04. Review status: criteria provided, single submitter. Criteria: Invitae Variant Classification Sherloc (09022015). Collection method: clinical testing. Allele origin: germline.
Comment: This sequence change replaces histidine, which is basic and polar, with glutamine, which is neutral and polar, at codon 2008 of the MED12 protein (p.His2008Gln). This variant is not present in population databases (gnomAD no frequency). This variant has not been reported in the literature in individuals affected with MED12-related conditions. Advanced modeling of protein sequence and biophysical properties (such as structural, functional, and spatial information, amino acid conservation, physicochemical variation, residue mobility, and thermodynamic stability) performed at Invitae indicates that this missense variant is not expected to disrupt MED12 protein function with a negative predictive value of 95%. In summary, the available evidence is currently insufficient to determine the role of this variant in disease. Therefore, it has been classified as a Variant of Uncertain Significance.

NM_005120.3(MED12):c.6024T>G (p.His2008Gln)

Gene: MED12 (mediator complex subunit 12; plus strand). Cytogenetic location: Xq13.1.
Variant type: single nucleotide variant.
Coding change: c.6024T>G on transcript NM_005120.3 (MANE Select); coding-DNA position 6024, T replaced by G.
Protein change: p.His2008Gln; replaces histidine 2008 with glutamine.
Molecular consequence: missense variant.
Genome position (GRCh38, 1-based): chrX:71,137,923, T>G. VCF-style: chrX-71137923-T-G. GRCh37 (hg19) VCF-style: chrX-70357773-T-G.
Other names: short protein forms H2008Q.
Identifiers: ClinVar variation 3652018 (VCV003652018.2).